The following is an entry in ClinVar:

NM_001927.4(DES):c.1019G>A (p.Gly340Asp)

Gene: DES (desmin; plus strand). Cytogenetic location: 2q35.
Variant type: single nucleotide variant.
Coding change: c.1019G>A on transcript NM_001927.4 (MANE Select); coding-DNA position 1019, G replaced by A.
Protein change: p.Gly340Asp; replaces glycine 340 with aspartic acid.
Molecular consequence: missense variant.
Genome position (GRCh38, 1-based): chr2:219,420,949, G>A. VCF-style: chr2-219420949-G-A. GRCh37 (hg19) VCF-style: chr2-220285671-G-A.
Other names: c.1019G>A (LRG_380t1); short protein forms G340D.
Identifiers: ClinVar variation 574314 (VCV000574314.10), dbSNP rs1559353118, ClinGen allele CA350693394.

ClinVar aggregate classification (germline): Uncertain significance. Review status: criteria provided, multiple submitters, no conflicts (2 of 4 stars). 2 submissions from 2 submitters: Uncertain significance (2). Last evaluated 2025-10-21.

Conditions:
Desmin-related myofibrillar myopathy (MFM1). Also called: Desminopathy; MYOFIBRILLAR MYOPATHY WITH ARRHYTHMOGENIC RIGHT VENTRICULAR CARDIOMYOPATHY; DESMIN-RELATED MYOPATHY WITH ARRHYTHMOGENIC RIGHT VENTRICULAR CARDIOMYOPATHY; Desmin related myopathy (former name); Desmin storage myopathy (former name); Myofibrillar myopathy 1. Identifiers: Orphanet 363543, Orphanet 98909, MedGen C1832370, MONDO:0011076, OMIM 601419.

Submissions (2):

Labcorp Genetics (formerly Invitae), Labcorp
Classification: Uncertain significance for Desmin-related myofibrillar myopathy. Last evaluated: 2025-10-21. Review status: criteria provided, single submitter. Criteria: Invitae Variant Classification Sherloc (09022015). Collection method: clinical testing. Allele origin: germline.
Comment: This sequence change replaces glycine, which is neutral and non-polar, with aspartic acid, which is acidic and polar, at codon 340 of the DES protein (p.Gly340Asp). This variant is not present in population databases (gnomAD no frequency). This missense change has been observed in individual(s) with dilated cardiomyopathy (PMID: 27532257, 37652022). ClinVar contains an entry for this variant (Variation ID: 574314). Invitae Evidence Modeling of protein sequence and biophysical properties (such as structural, functional, and spatial information, amino acid conservation, physicochemical variation, residue mobility, and thermodynamic stability) indicates that this missense variant is expected to disrupt DES protein function with a positive predictive value of 95%. In summary, the available evidence is currently insufficient to determine the role of this variant in disease. Therefore, it has been classified as a Variant of Uncertain Significance.

GeneDx
Classification: Uncertain significance. Last evaluated: 2019-04-30. Review status: criteria provided, single submitter. Criteria: GeneDx Variant Classification Process June 2021. Collection method: clinical testing. Allele origin: germline. Affected: yes.
Comment: Identified in a patient with DCM in published literature (Walsh et al., 2017); Reported in ClinVar as a variant of uncertain significance by another clinical laboratory (ClinVar Variant ID# 574314; Landrum et al., 2016); Not observed in large population cohorts (Lek et al., 2016); In silico analysis, which includes protein predictors and evolutionary conservation, supports a deleterious effect; This variant is associated with the following publications: (PMID: 27532257)

Literature cited by the submitters: PubMed 27532257 (cited by Labcorp Genetics (formerly Invitae), Labcorp); PubMed 37652022 (cited by Labcorp Genetics (formerly Invitae), Labcorp).